The following is an entry in ClinVar:

ClinVar aggregate classification (germline): Uncertain significance (1 of 4 stars; one submission).

Conditions:
DNA ligase IV deficiency. Identifiers: Orphanet 99812, MedGen C1847827, MONDO:0011686, OMIM 606593.

Allele frequency attached by ClinVar (database versions not stated): gnomAD exomes below 0.00001.
gnomAD v4.1: 2 of 1,612,346 alleles (0.00012%); highest among the groups gnomAD compares: Admixed American, 0.0033%; no homozygotes.

Submission:

Labcorp Genetics (formerly Invitae), Labcorp
Classification: Uncertain significance for DNA ligase IV deficiency. Last evaluated: 2022-06-07. Review status: criteria provided, single submitter. Criteria: Invitae Variant Classification Sherloc (09022015). Collection method: clinical testing. Allele origin: germline.
Comment: In summary, the available evidence is currently insufficient to determine the role of this variant in disease. Therefore, it has been classified as a Variant of Uncertain Significance. Algorithms developed to predict the effect of missense changes on protein structure and function (SIFT, PolyPhen-2, Align-GVGD) all suggest that this variant is likely to be tolerated. This variant has not been reported in the literature in individuals affected with LIG4-related conditions. This variant is not present in population databases (gnomAD no frequency). This sequence change replaces alanine, which is neutral and non-polar, with valine, which is neutral and non-polar, at codon 408 of the LIG4 protein (p.Ala408Val).

NM_206937.2(LIG4):c.1223C>T (p.Ala408Val)

Gene: LIG4 (DNA ligase 4; minus strand). Cytogenetic location: 13q33.3.
Variant type: single nucleotide variant.
Coding change: c.1223C>T on transcript NM_206937.2 (MANE Select); coding-DNA position 1223, C replaced by T.
Protein change: p.Ala408Val; replaces alanine 408 with valine.
Molecular consequence: missense variant.
Genome position (GRCh38, 1-based): chr13:108,210,046, G>A on the plus strand (C>T on the coding strand, the complement: LIG4 is on the minus strand). VCF-style: chr13-108210046-G-A. GRCh37 (hg19) VCF-style: chr13-108862394-G-A.
Other names: c.1223C>T, p.Ala408Val (NM_001098268.2, NM_001352598.2, NM_001352599.2 and 6 more transcripts); c.1022C>T, p.Ala341Val (NM_001330595.2); c.1259C>T, p.Ala420Val (NM_001352604.2); short protein forms A341V, A408V, A420V.
Identifiers: ClinVar variation 2091337 (VCV002091337.3), dbSNP rs1157629266, ClinGen allele CA388618034.
Genomic context (GRCh38, chr13:108,210,046, plus strand): 5'-CCCTCTTCTCTTTTATCTATTGCTTCATTCAATGCATCAATTACTTCATTCTTAGTATGA[G>A]CTTGTGTTTTCTGCACTATTTCTATTCTACCTGGAATTGGTGTAAAAATACTACTAAGAA-3'
Protein context (NP_996820.1, residues 398-418): GRIEIVQKTQ[Ala408Val]HTKNEVIDAL